The following is an entry in ClinVar:

ClinVar aggregate classification (germline): Pathogenic/Likely pathogenic. Review status: criteria provided, multiple submitters, no conflicts (2 of 4 stars). 2 submissions from 2 submitters: Pathogenic (1); Likely pathogenic (1). Last evaluated 2024-11-12.

Conditions:
Autosomal recessive polycystic kidney disease (ARPKD). Also called: AR polycystic kidney disease. Identifiers: Orphanet 731, Orphanet 8378, MedGen C0085548, MeSH D017044, MONDO:0009889.

Submissions (2):

Labcorp Genetics (formerly Invitae), Labcorp
Classification: Pathogenic for Autosomal recessive polycystic kidney disease. Last evaluated: 2024-11-12. Review status: criteria provided, single submitter. Criteria: Invitae Variant Classification Sherloc (09022015). Collection method: clinical testing. Allele origin: germline.
Comment: This sequence change affects the initiator methionine of the PKHD1 mRNA. The next in-frame methionine is located at codon 9. This variant is not present in population databases (gnomAD no frequency). Disruption of the initiator codon has been observed in individual(s) with autosomal recessive polycystic kidney disease (PMID: 27225849). In at least one individual the data is consistent with being in trans (on the opposite chromosome) from a pathogenic variant. This variant disrupts a region of the PKHD1 protein in which other variant(s) (Leu8Pro) have been observed in individuals with PKHD1-related conditions (internal data). This suggests that this is a clinically significant region of the protein, and that variants that disrupt it are likely to be disease-causing. For these reasons, this variant has been classified as Pathogenic.

Natera, Inc.
Classification: Likely pathogenic for Autosomal recessive polycystic kidney disease. Last evaluated: 2024-09-27. Review status: criteria provided, single submitter. Criteria: Natera Variant Classification Schema (03/2026). Collection method: clinical testing. Allele origin: germline.
Comment: The c.3G>A variant in PKHD1 is predicted to result in start loss due to disruption of the initiator methionine. This variant is expected to result in nonsense mediated decay, truncation, or a dysfunctional protein product. This variant is rare in the general population with a frequency below the threshold expected for the associated phenotype(s). Given the available evidence, this variant is classified as Likely Pathogenic.

Literature cited by the submitters: PubMed 27225849 (cited by Labcorp Genetics (formerly Invitae), Labcorp).

NM_138694.4(PKHD1):c.3G>A (p.Met1Ile)

Gene: PKHD1 (PKHD1 ciliary IPT domain containing fibrocystin/polyductin; minus strand). Cytogenetic location: 6p12.2.
Variant type: single nucleotide variant.
Coding change: c.3G>A on transcript NM_138694.4 (MANE Select); coding-DNA position 3, G replaced by A.
Protein change: p.Met1Ile; changes the start codon (methionine 1).
Molecular consequence: missense variant, initiator codon variant.
Genome position (GRCh38, 1-based): chr6:52,084,931, C>T on the plus strand (G>A on the coding strand, the complement: PKHD1 is on the minus strand). VCF-style: chr6-52084931-C-T. GRCh37 (hg19) VCF-style: chr6-51949729-C-T.
Other names: c.3G>A, p.Met1Ile (NM_170724.3); c.3G>A (NM_138694.3); short protein forms M1I.
Identifiers: ClinVar variation 3632440 (VCV003632440.3).